The following is an entry in ClinVar:

ClinVar aggregate classification (germline): Uncertain significance (1 of 4 stars; one submission).

Submission:

Ambry Genetics
Classification: Uncertain significance. Last evaluated: 2023-01-12. Review status: criteria provided, single submitter. Criteria: Ambry Variant Classification Scheme 2023. Collection method: clinical testing. Allele origin: germline.
Comment: The p.K3235E variant (also known as c.9703A>G), located in coding exon 69 of the PRKDC gene, results from an A to G substitution at nucleotide position 9703. The lysine at codon 3235 is replaced by glutamic acid, an amino acid with similar properties. This amino acid position is conserved. In addition, this alteration is predicted to be tolerated by in silico analysis. Since supporting evidence is limited at this time, the clinical significance of this alteration remains unclear.

NM_006904.7(PRKDC):c.9703A>G (p.Lys3235Glu)

Gene: PRKDC (protein kinase, DNA-activated, catalytic subunit; minus strand). Cytogenetic location: 8q11.21.
Variant type: single nucleotide variant.
Coding change: c.9703A>G on transcript NM_006904.7 (MANE Select); coding-DNA position 9703, A replaced by G.
Protein change: p.Lys3235Glu; replaces lysine 3235 with glutamic acid.
Molecular consequence: missense variant.
Genome position (GRCh38, 1-based): chr8:47,807,181, T>C on the plus strand (A>G on the coding strand, the complement: PRKDC is on the minus strand). VCF-style: chr8-47807181-T-C. GRCh37 (hg19) VCF-style: chr8-48719742-T-C.
Other names: c.9703A>G, p.Lys3235Glu (NM_001081640.2); short protein forms K3235E.
Identifiers: ClinVar variation 2452991 (VCV002452991.2), dbSNP rs2551863802, ClinGen allele CA371137261.
Genomic context (GRCh38, chr8:47,807,181, plus strand): 5'-AGACACGAGTACCCACCTGCTTCCGGGCACTGTCTATCATCTTCATTTTCATGGAAAACT[T>C]GCAACTCCTGATCAGGGAGCTGATATCTTCTTCCTGCTCTTGCACTTCCATCCTGTCACT-3'
Protein context (NP_008835.5, residues 3225-3245): EDISSLIRSC[Lys3235Glu]FSMKMKMIDS